The following is an entry in ClinVar:

NC_000010.10:g.(?_55912850)_(56138712_?)del

Gene: PCDH15 (protocadherin related 15; minus strand). Cytogenetic location: 10q21.1.
Variant type: Deletion.
Identifiers: ClinVar variation 1456942 (VCV001456942.6).

ClinVar aggregate classification (germline): Pathogenic (1 of 4 stars; one submission).

Submission:

Labcorp Genetics (formerly Invitae), Labcorp
Classification: Pathogenic. Last evaluated: 2021-06-28. Review status: criteria provided, single submitter. Criteria: Invitae Variant Classification Sherloc (09022015). Collection method: clinical testing. Allele origin: germline.
Comment: For these reasons, this variant has been classified as Pathogenic. This variant has not been reported in the literature in individuals with PCDH15-related conditions. This variant is a gross deletion of the genomic region encompassing exon(s) 4-14 of the PCDH15 gene. This deletion is out-of-frame, and is expected to create a premature translational stop signal and result in an absent or disrupted protein product. Loss-of-function variants in PCDH15 are known to be pathogenic (PMID: 11398101, 11487575, 14570705).

Literature cited by the submitters: PubMed 11398101; PubMed 11487575; PubMed 14570705.